The following is an entry in ClinVar:

ClinVar aggregate classification (germline): Pathogenic (1 of 4 stars; one submission).

Conditions:
Marfan syndrome (MFS). Also called: MARFAN SYNDROME, TYPE I; Marfan syndrome type 1; Marfan's syndrome; Marfan syndrome, classic; FBN1-Related Marfan Syndrome. Identifiers: Orphanet 284963, Orphanet 558, MedGen C0024796, MONDO:0007947, OMIM 154700.
Progeroid and marfanoid aspect-lipodystrophy syndrome. Also called: MARFANOID-PROGEROID SYNDROME; MARFAN-PROGEROID-LIPODYSTROPHY SYNDROME; Marfan lipodystrophy syndrome; MARFANOID-PROGEROID-LIPODYSTROPHY SYNDROME. Identifiers: Orphanet 300382, MedGen C4310796, MONDO:0014831, OMIM 616914.

Submission:

Molecular Genetics Department, Kulakov National Medical Research Center for Obstetrics, Gynecology and Perinatology
Classification: Pathogenic for Marfan syndrome; Progeroid and marfanoid aspect-lipodystrophy syndrome. Review status: criteria provided, single submitter. Criteria: ACMG Guidelines, 2015. Collection method: clinical testing. Allele origin: de novo. Affected: yes. Observed: 1 variant allele.
Comment: A previously undescribed heterozygous nucleotide variant creates a missense p.Asn1046Thr in the FBN1 gene. Heterozygous variants are reported in patients with Marfan lipodystrophy syndrome, 616914; Marfan syndrome, 154700. The variant is not present in population database (gnomAD no frequency). Sanger sequencing revealed that the variant arose de novo (parentage confirmed). Another variant resulting in an amino acid substitution at the same position (p.Asn1046Ser) has been described in heterozygous form in patients with neonatal Marfan syndrome [Lonnqvist et al., 1996, PMID: 8884270; Jacobs et al., 2002, PMID: 12413333]. In summary, this variant has been classified as pathogenic.

Literature cited by the submitters: PubMed 8884270; PubMed 12413333.

NM_000138.5(FBN1):c.3137A>C (p.Asn1046Thr)

Gene: FBN1 (fibrillin 1; minus strand). Cytogenetic location: 15q21.1.
Variant type: single nucleotide variant.
Coding change: c.3137A>C on transcript NM_000138.5 (MANE Select); coding-DNA position 3137, A replaced by C.
Protein change: p.Asn1046Thr; replaces asparagine 1046 with threonine.
Molecular consequence: missense variant.
Genome position (GRCh38, 1-based): chr15:48,488,439, T>G on the plus strand (A>C on the coding strand, the complement: FBN1 is on the minus strand). VCF-style: chr15-48488439-T-G. GRCh37 (hg19) VCF-style: chr15-48780636-T-G.
Other names: c.3137A>C, p.Asn1046Thr (NM_001406716.1); short protein forms N1046T.
Identifiers: ClinVar variation 4294425 (VCV004294425.1).